The following is an entry in ClinVar:

ClinVar aggregate classification (germline): Uncertain significance (1 of 4 stars; one submission).

Allele frequency attached by ClinVar (database versions not stated): gnomAD 0.00001; TOPMed 0.00001; gnomAD exomes 0.00003.
gnomAD v4.1: 21 of 1,590,734 alleles (0.0013%); highest among the groups gnomAD compares: Non-Finnish European, 0.0018%; no homozygotes.

Submission:

Labcorp Genetics (formerly Invitae), Labcorp
Classification: Uncertain significance. Last evaluated: 2022-01-04. Review status: criteria provided, single submitter. Criteria: Invitae Variant Classification Sherloc (09022015). Collection method: clinical testing. Allele origin: germline.
Comment: In summary, the available evidence is currently insufficient to determine the role of this variant in disease. Therefore, it has been classified as a Variant of Uncertain Significance. Algorithms developed to predict the effect of missense changes on protein structure and function are either unavailable or do not agree on the potential impact of this missense change (SIFT: "Not Available"; PolyPhen-2: "Probably Damaging"; Align-GVGD: "Not Available"). This variant has not been reported in the literature in individuals affected with POGLUT1-related conditions. This variant is present in population databases (no rsID available, gnomAD 0.007%). This sequence change replaces tryptophan, which is neutral and slightly polar, with cysteine, which is neutral and slightly polar, at codon 32 of the POGLUT1 protein (p.Trp32Cys).

NM_152305.3(POGLUT1):c.96G>C (p.Trp32Cys)

Gene: POGLUT1 (protein O-glucosyltransferase 1; plus strand). Cytogenetic location: 3q13.33.
Variant type: single nucleotide variant.
Coding change: c.96G>C on transcript NM_152305.3 (MANE Select); coding-DNA position 96, G replaced by C.
Protein change: p.Trp32Cys; replaces tryptophan 32 with cysteine.
Molecular consequence: missense variant. On other transcripts: non-coding transcript variant (1).
Genome position (GRCh38, 1-based): chr3:119,469,830, G>C. VCF-style: chr3-119469830-G-C. GRCh37 (hg19) VCF-style: chr3-119188677-G-C.
Other names: c.96G>C, p.Trp32Cys (NM_020231.3); short protein forms W32C.
Identifiers: ClinVar variation 1974254 (VCV001974254.5), dbSNP rs1489837901, ClinGen allele CA354034868.
Genomic context (GRCh38, chr3:119,469,830, plus strand): 5'-ATAACATTCAGGAAAATTTTTTTAACTCTCATTTACTTCACTTTTTAAAGGTTCAAAATG[G>C]AAAGTATTTATTGACCAAATTAACAGGTCTTTGGAGAATTACGAACCATGTTCAAGTCAA-3'
Protein context (NP_689518.1, residues 22-42): QGRQKESGSK[Trp32Cys]KVFIDQINRS